The following is an entry in ClinVar:

NM_001853.4(COL9A3):c.481C>T (p.His161Tyr)

Gene: COL9A3 (collagen type IX alpha 3 chain; plus strand). Cytogenetic location: 20q13.33.
Variant type: single nucleotide variant.
Coding change: c.481C>T on transcript NM_001853.4 (MANE Select); coding-DNA position 481, C replaced by T.
Protein change: p.His161Tyr; replaces histidine 161 with tyrosine.
Molecular consequence: missense variant.
Genome position (GRCh38, 1-based): chr20:62,822,594, C>T. VCF-style: chr20-62822594-C-T. GRCh37 (hg19) VCF-style: chr20-61453946-C-T.
Other names: short protein forms H161Y.
Identifiers: ClinVar variation 1049025 (VCV001049025.9), dbSNP rs150207068, ClinGen allele CA9949307.

ClinVar aggregate classification (germline): Likely benign. Review status: criteria provided, single submitter (1 of 4 stars). 2 submissions from 2 submitters: Likely benign (1). 1 of the submissions does not count toward it. Last evaluated 2026-01-05.

Allele frequency attached by ClinVar (database versions not stated): gnomAD exomes 0.00007 and 0.00005; 1000 Genomes Project 30x 0.00016; gnomAD 0.00017 and 0.00019; 1000 Genomes Project 0.00020; TOPMed 0.00023; ESP Exome Variant Server 0.00031; ExAC 0.00007.
gnomAD v4.1: 93 of 1,612,480 alleles (0.0058%); highest among the groups gnomAD compares: African/African-American, 0.067%; no homozygotes.

Submissions (2):

Labcorp Genetics (formerly Invitae), Labcorp
Classification: Likely benign. Last evaluated: 2026-01-05. Review status: criteria provided, single submitter. Criteria: Invitae Variant Classification Sherloc (09022015). Collection method: clinical testing. Allele origin: germline.

Department of Pathology and Laboratory Medicine, Sinai Health System
Classification: Uncertain significance. Review status: no assertion criteria provided. Collection method: clinical testing. Allele origin: unknown. Affected: yes. Study: The Canadian Open Genetics Repository (COGR). Not counted in ClinVar's aggregate classification.
Comment: The COL9A3 p.His161Tyr variant was not identified in the literature nor was it identified in ClinVar or Cosmic. The variant was identified in dbSNP (ID: rs150207068), LOVD 3.0 and in control databases in 22 of 281630 chromosomes at a frequency of 0.000078 (Genome Aggregation Database Feb 27, 2017). The variant was observed in the following populations: African in 18 of 24858 chromosomes (freq: 0.000724), Other in 1 of 7190 chromosomes (freq: 0.000139), Latino in 1 of 35424 chromosomes (freq: 0.000028) and European (non-Finnish) in 2 of 128432 chromosomes (freq: 0.000016), while the variant was not observed in the Ashkenazi Jewish, East Asian, European (Finnish) or South Asian populations. The variant occurs outside of the splicing consensus sequence and in silico or computational prediction software programs (SpliceSiteFinder, MaxEntScan, NNSPLICE, GeneSplicer) do not predict a difference in splicing. The p.His161 residue is not conserved in mammals and computational analyses (PolyPhen-2, SIFT, AlignGVGD, BLOSUM, MutationTaster) do not suggest a high likelihood of impact to the protein; however, this information is not predictive enough to rule out pathogenicity. In summary, based on the above information the clinical significance of this variant cannot be determined with certainty at this time. This variant is classified as a variant of uncertain significance.